The following is an entry in ClinVar:

NM_006623.4(PHGDH):c.107T>C (p.Leu36Pro)

Gene: PHGDH (phosphoglycerate dehydrogenase; plus strand). Cytogenetic location: 1p12.
Variant type: single nucleotide variant.
Coding change: c.107T>C on transcript NM_006623.4 (MANE Select); coding-DNA position 107, T replaced by C.
Protein change: p.Leu36Pro; replaces leucine 36 with proline.
Molecular consequence: missense variant.
Genome position (GRCh38, 1-based): chr1:119,712,129, T>C. VCF-style: chr1-119712129-T-C. GRCh37 (hg19) VCF-style: chr1-120254752-T-C.
Other names: short protein forms L36P.
Identifiers: ClinVar variation 1500959 (VCV001500959.5), dbSNP rs904243407, ClinGen allele CA30240633.

ClinVar aggregate classification (germline): Uncertain significance (1 of 4 stars; one submission).

Conditions:
PHGDH deficiency. Identifiers: Orphanet 79351, MedGen C1866174, MONDO:0011152, OMIM 601815.

Submission:

Labcorp Genetics (formerly Invitae), Labcorp
Classification: Uncertain significance for PHGDH deficiency. Last evaluated: 2021-08-27. Review status: criteria provided, single submitter. Criteria: Invitae Variant Classification Sherloc (09022015). Collection method: clinical testing. Allele origin: germline.
Comment: This sequence change replaces leucine with proline at codon 36 of the PHGDH protein (p.Leu36Pro). The leucine residue is moderately conserved and there is a moderate physicochemical difference between leucine and proline. This variant is not present in population databases (ExAC no frequency). This variant has not been reported in the literature in individuals affected with PHGDH-related conditions. Algorithms developed to predict the effect of missense changes on protein structure and function are either unavailable or do not agree on the potential impact of this missense change (SIFT: "Deleterious"; PolyPhen-2: "Benign"; Align-GVGD: "Class C0"). In summary, the available evidence is currently insufficient to determine the role of this variant in disease. Therefore, it has been classified as a Variant of Uncertain Significance.